The following is an entry in ClinVar:

NM_017780.4(CHD7):c.6208dup (p.His2070fs)

Gene: CHD7 (chromodomain helicase DNA binding protein 7; plus strand). Cytogenetic location: 8q12.2.
Variant type: Duplication.
Coding change: c.6208dup on transcript NM_017780.4 (MANE Select); coding-DNA position 6208, one base duplicated (C; older notation c.6208dupC).
Protein change: p.His2070fs; shifts the reading frame from histidine 2070.
Molecular consequence: frameshift variant. On other transcripts: intron variant (1).
Genome position (GRCh38, 1-based): chr8:60,852,933, C duplicated; the last of 2 consecutive C bases (chr8:60,852,932-60,852,933); duplicating either gives the same sequence. VCF-style (leftmost placement, unchanged base first): chr8-60852931-T-TC. GRCh37 (hg19) VCF-style: chr8-61765490-T-TC.
Other names: c.1717-9296dup (NM_001316690.1); short protein forms H2070fs.
Identifiers: ClinVar variation 2444059 (VCV002444059.1), dbSNP rs2488040230, ClinGen allele CA2580078851.

ClinVar aggregate classification (germline): Likely pathogenic (1 of 4 stars; one submission).

Conditions:
CHARGE syndrome (CHARGE). Also called: Hittner Hirsch Kreh syndrome; CHARGE ASSOCIATION--COLOBOMA, HEART ANOMALY, CHOANAL ATRESIA, RETARDATION, GENITAL AND EAR ANOMALIES; Coloboma, heart anomaly, choanal atresia, retardation, genital and ear anomalies; CHARGE association; Hall-Hittner syndrome. Identifiers: Orphanet 138, MedGen C0265354, MONDO:0008965.

Submission:

3billion
Classification: Likely pathogenic for CHD7-related CHARGE syndrome. Last evaluated: 2023-02-23. Review status: criteria provided, single submitter. Criteria: ACMG Guidelines, 2015. Collection method: clinical testing. Allele origin: unknown. Affected: yes.
Comment: The variant is not observed in the gnomAD v2.1.1 dataset. This variant was predicted to result in a loss or disruption of normal protein function through nonsense-mediated decay (NMD) or protein truncation. Multiple pathogenic variants are reported downstream of the variant. Therefore, this variant is classified as Likely pathogenic according to the recommendation of ACMG/AMP guideline.